The following is an entry in ClinVar:

NM_001172509.2(SATB2):c.1964C>T (p.Pro655Leu)

Genes: SATB2 (SATB homeobox 2; minus strand), LOC126806462 (MED14-independent group 3 enhancer GRCh37_chr2:200136608-200137807; plus strand). Cytogenetic location: 2q33.1.
Variant type: single nucleotide variant.
Coding change: c.1964C>T on transcript NM_001172509.2 (MANE Select); coding-DNA position 1964, C replaced by T.
Protein change: p.Pro655Leu; replaces proline 655 with leucine.
Molecular consequence: missense variant.
Genome position (GRCh38, 1-based): chr2:199,272,449, G>A on the plus strand (C>T on the coding strand, the complement: SATB2 is on the minus strand). VCF-style: chr2-199272449-G-A. GRCh37 (hg19) VCF-style: chr2-200137172-G-A.
Other names: c.1964C>T, p.Pro655Leu (NM_001172517.1, NM_015265.4); short protein forms P655L.
Identifiers: ClinVar variation 436636 (VCV000436636.10), dbSNP rs1553538919, ClinGen allele CA350385610.

ClinVar aggregate classification (germline): Pathogenic/Likely pathogenic. Review status: criteria provided, multiple submitters, no conflicts (2 of 4 stars). 3 submissions from 3 submitters: Pathogenic (2); Likely pathogenic (1). Last evaluated 2022-06-21.

Conditions:
Chromosome 2q32-q33 deletion syndrome (GLASS). Also called: 2q33.1 deletion syndrome; Glass syndrome. Identifiers: Orphanet 251019, MedGen C2676739, MONDO:0012864, OMIM 612313.

Submissions (3):

HudsonAlpha Institute for Biotechnology
Classification: Pathogenic for Chromosome 2q32-q33 deletion syndrome. Last evaluated: 2022-06-21. Review status: criteria provided, single submitter. Criteria: ACMG Guidelines, 2015. Collection method: research. Allele origin: de novo. Affected: yes. Observed: 1 variant allele. Study: HudsonAlpha-AGHI-WGS.
Comment: ACMG codes:PS2_Strong, PM1_Moderate, PM2_Moderate, PP2_Supporting, PP3_Supporting

GeneDx
Classification: Pathogenic. Last evaluated: 2020-01-14. Review status: criteria provided, single submitter. Criteria: GeneDx Variant Classification Process June 2021. Collection method: clinical testing. Allele origin: germline. Affected: yes.
Comment: Not observed in large population cohorts (Lek et al., 2016); In silico analysis, which includes protein predictors and evolutionary conservation, supports a deleterious effect; This variant is associated with the following publications: (PMID: 28139846, 29436146)

Genetic Services Laboratory, University of Chicago
Classification: Likely pathogenic for Glass syndrome. Last evaluated: 2015-11-24. Review status: criteria provided, single submitter. Criteria: ACMG Guidelines, 2015. Collection method: clinical testing. Allele origin: germline. Affected: yes.